The following is an entry in ClinVar:

ClinVar aggregate classification (germline): Conflicting classifications of pathogenicity. Review status: criteria provided, conflicting classifications (1 of 4 stars). 5 submissions from 5 submitters: Uncertain significance (4); Likely benign (1). Last evaluated 2023-04-24.

Conditions:
Hereditary cancer-predisposing syndrome. Also called: Hereditary neoplastic syndrome; Neoplastic Syndromes, Hereditary; Tumor predisposition; Hereditary Cancer Syndrome. Identifiers: Orphanet 140162, MedGen C0027672, MeSH D009386, MONDO:0015356.
Hereditary breast ovarian cancer syndrome. Also called: Hereditary breast and ovarian cancer syndrome (HBOC); Breast and ovarian cancer; Hereditary breast and/or ovarian cancer syndrome; BRCA1- and BRCA2-Associated Hereditary Breast and Ovarian Cancer; Hereditary breast and ovarian cancer syndrome; Hereditary breast and ovarian cancer. Identifiers: Orphanet 145, MedGen C0677776, MeSH D061325, MONDO:0003582. Disease mechanism: loss of function.

gnomAD v4.1: 1 of 1,605,590 alleles (0.000062%); highest among the groups gnomAD compares: South Asian, 0.0011%; no homozygotes.

Submissions (5):

Ambry Genetics
Classification: Uncertain significance for Hereditary cancer-predisposing syndrome. Last evaluated: 2023-04-24. Review status: criteria provided, single submitter. Criteria: Ambry Variant Classification Scheme 2023. Collection method: clinical testing. Allele origin: germline.
Comment: The p.D608E variant (also known as c.1824C>G), located in coding exon 9 of the BRCA2 gene, results from a C to G substitution at nucleotide position 1824. The aspartic acid at codon 608 is replaced by glutamic acid, an amino acid with highly similar properties. This amino acid position is not well conserved in available vertebrate species. In addition, this alteration is predicted to be tolerated by in silico analysis. Since supporting evidence is limited at this time, the clinical significance of this alteration remains unclear.

University of Washington Department of Laboratory Medicine, University of Washington
Classification: Likely benign for Hereditary cancer-predisposing syndrome. Last evaluated: 2023-03-23. Review status: criteria provided, single submitter. Criteria: Dines et al. (Genet Med. 2020). Collection method: curation. Allele origin: germline.
Comment: Missense variant in a coldspot region where missense variants are very unlikely to be pathogenic (PMID:31911673).

BRCA2 exon 10 coldspot. Reclassification based on statistical prior probability.

GeneDx
Classification: Uncertain significance. Last evaluated: 2022-06-06. Review status: criteria provided, single submitter. Criteria: GeneDx Variant Classification Process June 2021. Collection method: clinical testing. Allele origin: germline. Affected: yes.
Comment: Not observed at significant frequency in large population cohorts (gnomAD); In silico analysis supports that this missense variant does not alter protein structure/function; Has not been previously published as pathogenic or benign to our knowledge; Also known as 2052C>G

Labcorp Genetics (formerly Invitae), Labcorp
Classification: Uncertain significance for Hereditary breast ovarian cancer syndrome. Last evaluated: 2022-02-24. Review status: criteria provided, single submitter. Criteria: Invitae Variant Classification Sherloc (09022015). Collection method: clinical testing. Allele origin: germline.
Comment: This variant is not present in population databases (gnomAD no frequency). In summary, the available evidence is currently insufficient to determine the role of this variant in disease. Therefore, it has been classified as a Variant of Uncertain Significance. Advanced modeling of protein sequence and biophysical properties (such as structural, functional, and spatial information, amino acid conservation, physicochemical variation, residue mobility, and thermodynamic stability) performed at Invitae indicates that this missense variant is not expected to disrupt BRCA2 protein function. ClinVar contains an entry for this variant (Variation ID: 185457). This variant has not been reported in the literature in individuals affected with BRCA2-related conditions. This sequence change replaces aspartic acid, which is acidic and polar, with glutamic acid, which is acidic and polar, at codon 608 of the BRCA2 protein (p.Asp608Glu).

Color Diagnostics, LLC DBA Color Health
Classification: Uncertain significance for Hereditary cancer-predisposing syndrome. Last evaluated: 2019-06-12. Review status: criteria provided, single submitter. Criteria: ACMG Guidelines, 2015. Collection method: clinical testing. Allele origin: germline.

NM_000059.4(BRCA2):c.1824C>G (p.Asp608Glu)

Gene: BRCA2 (BRCA2 DNA repair associated; plus strand). Cytogenetic location: 13q13.1.
Variant type: single nucleotide variant.
Coding change: c.1824C>G on transcript NM_000059.4 (MANE Select); coding-DNA position 1824, C replaced by G.
Protein change: p.Asp608Glu; replaces aspartic acid 608 with glutamic acid.
Molecular consequence: missense variant.
Genome position (GRCh38, 1-based): chr13:32,333,302, C>G. VCF-style: chr13-32333302-C-G. GRCh37 (hg19) VCF-style: chr13-32907439-C-G.
Other names: short protein forms D608E.
Identifiers: ClinVar variation 185457 (VCV000185457.20), dbSNP rs786202186, ClinGen allele CA013472.